The following is an entry in ClinVar:

NM_013275.6(ANKRD11):c.3148A>G (p.Lys1050Glu)

Gene: ANKRD11 (ankyrin repeat domain containing 11; minus strand). Cytogenetic location: 16q24.3.
Variant type: single nucleotide variant.
Coding change: c.3148A>G on transcript NM_013275.6 (MANE Select); coding-DNA position 3148, A replaced by G.
Protein change: p.Lys1050Glu; replaces lysine 1050 with glutamic acid.
Molecular consequence: missense variant.
Genome position (GRCh38, 1-based): chr16:89,283,394, T>C on the plus strand (A>G on the coding strand, the complement: ANKRD11 is on the minus strand). VCF-style: chr16-89283394-T-C. GRCh37 (hg19) VCF-style: chr16-89349802-T-C.
Other names: c.3148A>G, p.Lys1050Glu (NM_001256182.2, NM_001256183.2); short protein forms K1050E.
Identifiers: ClinVar variation 1708573 (VCV001708573.2), dbSNP rs2544238519, ClinGen allele CA397160484.

ClinVar aggregate classification (germline): Uncertain significance (1 of 4 stars; one submission).

Allele frequency attached by ClinVar (database versions not stated): gnomAD exomes below 0.00001.
gnomAD v4.1: 1 of 1,614,070 alleles (0.000062%); highest among the groups gnomAD compares: Non-Finnish European, 0.000085%; no homozygotes.

Submission:

GeneDx
Classification: Uncertain significance. Last evaluated: 2022-04-04. Review status: criteria provided, single submitter. Criteria: GeneDx Variant Classification Process June 2021. Collection method: clinical testing. Allele origin: germline. Affected: yes.
Comment: Not observed at significant frequency in large population cohorts (gnomAD); In silico analysis supports that this missense variant does not alter protein structure/function; Has not been previously published as pathogenic or benign to our knowledge